The following is an entry in ClinVar:

ClinVar aggregate classification (germline): Conflicting classifications of pathogenicity. Review status: criteria provided, conflicting classifications (1 of 4 stars). 8 submissions from 6 submitters: Uncertain significance (2); Likely benign (6). Last evaluated 2025-12-03.

Conditions:
Osteogenesis imperfecta type I (OI1). Also called: Classic Non-deforming Osteogenesis Imperfecta with Blue Sclerae; Lobstein disease; OI, TYPE I; OSTEOGENESIS IMPERFECTA TARDA; OSTEOGENESIS IMPERFECTA WITH BLUE SCLERAE; Osteogenesis imperfecta type 1. Identifiers: Orphanet 216796, Orphanet 666, MedGen C0023931, MONDO:0008146, OMIM 166200. Disease mechanism: loss of function.
Cardiovascular phenotype. Identifiers: MedGen CN230736.
Ehlers-Danlos syndrome, arthrochalasia type. Also called: ARTHROCHALASIS MULTIPLEX CONGENITA; EDS VII, MUTANT PROCOLLAGEN TYPE; EDS VIIA; Ehlers-Danlos syndrome, arthrochalasia type, 1; Ehlers-Danlos syndrome, arthrochalasis type. Identifiers: Orphanet 1899, Orphanet 99875, Orphanet 99876, MedGen C4551623, MONDO:0007525, OMIM 130060.
Infantile cortical hyperostosis. Also called: P1PK BLOOD GROUP SYSTEM, P(2) PHENOTYPE; Hyperostosis, Cortical, Congenital; Caffey Disease. Identifiers: Orphanet 1310, MedGen C0020497, MONDO:0007244, OMIM 114000.
Osteogenesis imperfecta (OI). Identifiers: Orphanet 666, MedGen C0029434, MeSH D010013, MONDO:0019019.

Allele frequency attached by ClinVar (database versions not stated): ExAC 0.00002; gnomAD exomes 0.00002 and 0.00007; gnomAD 0.00006; TOPMed 0.00006.
gnomAD v4.1: 104 of 1,613,268 alleles (0.0064%); highest among the groups gnomAD compares: Middle Eastern, 0.049%; no homozygotes.

Submissions (8):

Labcorp Genetics (formerly Invitae), Labcorp
Classification: Likely benign for Osteogenesis imperfecta type I. Last evaluated: 2025-12-03. Review status: criteria provided, single submitter. Criteria: Invitae Variant Classification Sherloc (09022015). Collection method: clinical testing. Allele origin: germline.

Women's Health and Genetics/Laboratory Corporation of America, LabCorp
Classification: Likely benign. Last evaluated: 2025-01-28. Review status: criteria provided, single submitter. Criteria: LabCorp Variant Classification Summary - May 2015. Collection method: clinical testing. Allele origin: germline.

Blueprint Genetics
Classification: Likely benign. Last evaluated: 2024-09-23. Review status: criteria provided, single submitter. Criteria: ACMG Guidelines, 2015. Collection method: clinical testing. Allele origin: germline.

GeneDx
Classification: Likely benign. Last evaluated: 2021-03-10. Review status: criteria provided, single submitter. Criteria: GeneDx Variant Classification Process June 2021. Collection method: clinical testing. Allele origin: germline. Affected: yes.

Ambry Genetics
Classification: Likely benign for Cardiovascular phenotype. Last evaluated: 2019-06-17. Review status: criteria provided, single submitter. Criteria: Ambry Variant Classification Scheme 2023. Collection method: clinical testing. Allele origin: germline.

Illumina Laboratory Services, Illumina
Classification: Uncertain significance for Osteogenesis imperfecta. Last evaluated: 2018-01-13. Review status: criteria provided, single submitter. Criteria: ICSL Variant Classification Criteria 13 December 2019. Collection method: clinical testing. Allele origin: germline.

Illumina Laboratory Services, Illumina
Classification: Uncertain significance for Infantile cortical hyperostosis. Last evaluated: 2018-01-13. Review status: criteria provided, single submitter. Criteria: ICSL Variant Classification Criteria 13 December 2019. Collection method: clinical testing. Allele origin: germline.

Illumina Laboratory Services, Illumina
Classification: Likely benign for Ehlers-Danlos syndrome, arthrochalasia type. Last evaluated: 2018-01-13. Review status: criteria provided, single submitter. Criteria: ICSL Variant Classification Criteria 13 December 2019. Collection method: clinical testing. Allele origin: germline.
Comment: This variant was observed in the ICSL laboratory as part of a predisposition screen in an ostensibly healthy population. It had not been previously curated by ICSL or reported in the Human Gene Mutation Database (HGMD: prior to June 1st, 2018), and was therefore a candidate for classification through an automated scoring system. Utilizing variant allele frequency, disease prevalence and penetrance estimates, and inheritance mode, an automated score was calculated to assess if this variant is too frequent to cause the disease. Based on the score and internal cut-off values, a variant classified as likely benign is not then subjected to further curation. The score for this variant resulted in a classification of likely benign for this disease.

NM_000088.4(COL1A1):c.528C>T (p.Ser176=)

Gene: COL1A1 (collagen type I alpha 1 chain; minus strand). Cytogenetic location: 17q21.33.
Variant type: single nucleotide variant.
Coding change: c.528C>T on transcript NM_000088.4 (MANE Select); coding-DNA position 528, C replaced by T.
Protein change: p.Ser176=; no amino-acid change (serine 176 retained).
Molecular consequence: synonymous variant.
Genome position (GRCh38, 1-based): chr17:50,198,448, G>A on the plus strand (C>T on the coding strand, the complement: COL1A1 is on the minus strand). VCF-style: chr17-50198448-G-A. GRCh37 (hg19) VCF-style: chr17-48275809-G-A.
Identifiers: ClinVar variation 324118 (VCV000324118.20), dbSNP rs748856187, ClinGen allele CA8645681.